The following is an entry in ClinVar:

NM_002693.3(POLG):c.3025A>T (p.Asn1009Tyr)

Gene: POLG (DNA polymerase gamma, catalytic subunit; minus strand). Cytogenetic location: 15q26.1.
Variant type: single nucleotide variant.
Coding change: c.3025A>T on transcript NM_002693.3 (MANE Select); coding-DNA position 3025, A replaced by T.
Protein change: p.Asn1009Tyr; replaces asparagine 1009 with tyrosine.
Molecular consequence: missense variant.
Genome position (GRCh38, 1-based): chr15:89,319,307, T>A on the plus strand (A>T on the coding strand, the complement: POLG is on the minus strand). VCF-style: chr15-89319307-T-A. GRCh37 (hg19) VCF-style: chr15-89862538-T-A.
Other names: c.3025A>T, p.Asn1009Tyr (NM_001126131.2); short protein forms N1009Y.
Identifiers: ClinVar variation 619333 (VCV000619333.4), dbSNP rs1567185808, ClinGen allele CA10602252.

ClinVar aggregate classification (germline): Uncertain significance. Review status: criteria provided, multiple submitters, no conflicts (2 of 4 stars). 2 submissions from 2 submitters: Uncertain significance (2). Last evaluated 2023-12-17.

Conditions:
Progressive sclerosing poliodystrophy (MTDPS4A). Also called: Alpers-Huttenlocher Syndrome (AHS); Alpers Syndrome; ALPERS PROGRESSIVE INFANTILE POLIODYSTROPHY; Mitochondrial DNA depletion syndrome 4A (Alpers type); ALPERS DIFFUSE DEGENERATION OF CEREBRAL GRAY MATTER WITH HEPATIC CIRRHOSIS; Alpers-Huttenlocher Syndrome. Identifiers: Orphanet 726, MedGen C0205710, MONDO:0008758, OMIM 203700.

Submissions (2):

Labcorp Genetics (formerly Invitae), Labcorp
Classification: Uncertain significance for Progressive sclerosing poliodystrophy. Last evaluated: 2023-12-17. Review status: criteria provided, single submitter. Criteria: Invitae Variant Classification Sherloc (09022015). Collection method: clinical testing. Allele origin: germline.
Comment: This sequence change replaces asparagine, which is neutral and polar, with tyrosine, which is neutral and polar, at codon 1009 of the POLG protein (p.Asn1009Tyr). This variant is not present in population databases (gnomAD no frequency). This variant has not been reported in the literature in individuals affected with POLG-related conditions. ClinVar contains an entry for this variant (Variation ID: 619333). Advanced modeling of protein sequence and biophysical properties (such as structural, functional, and spatial information, amino acid conservation, physicochemical variation, residue mobility, and thermodynamic stability) performed at Invitae indicates that this missense variant is not expected to disrupt POLG protein function with a negative predictive value of 95%. In summary, the available evidence is currently insufficient to determine the role of this variant in disease. Therefore, it has been classified as a Variant of Uncertain Significance.

Wong Mito Lab, Molecular and Human Genetics, Baylor College of Medicine
Classification: Uncertain significance for Progressive sclerosing poliodystrophy. Last evaluated: 2018-10-01. Review status: criteria provided, single submitter. Criteria: ACMG Guidelines, 2015. Collection method: clinical testing. Allele origin: germline.
Comment: The NM_002693.2:c.3025A>T (NP_002684.1:p.Asn1009Tyr) [GRCH38: NC_000015.10:g.89319307T>A] variant in POLG gene is interpretated to be a Uncertain Significance based on ACMG guidelines (PMID: 25741868). This variant meets the following evidence codes reported in the ACMG-guideline. BP4:Computational evidence/predictors indicate no impact on the POLG structure, function, or protein-protein interaction. Based on the evidence criteria codes applied, the variant is suggested to be Uncertain Significance.